The following is an entry in ClinVar:

ClinVar aggregate classification (germline): Pathogenic (1 of 4 stars; one submission).

Conditions:
Argininosuccinate lyase deficiency. Also called: ARGININOSUCCINIC ACID LYASE DEFICIENCY; ASL DEFICIENCY; Argininosuccinic aciduria. Identifiers: Orphanet 23, MedGen C0268547, MONDO:0008815, OMIM 207900, HP:0025630.

Submission:

Myriad Genetics, Inc.
Classification: Pathogenic for Argininosuccinate lyase deficiency. Last evaluated: 2024-04-27. Review status: criteria provided, single submitter. Criteria: Myriad Autosomal Dominant, Autosomal Recessive and X-Linked Classification Criteria (2023). Collection method: clinical testing. Allele origin: unknown.
Comment: NM_001024943.1(ASL):c.986_987delAG(K329Rfs*5) is expected to be pathogenic in the context of argininosuccinic aciduria. This variant is predicted to lead to an abnormal or absent protein product due to the creation of a premature termination codon in ASL, a gene where loss-of-function variants are known to be pathogenic. Please note: this variant was assessed in the context of healthy population screening.

NM_000048.4(ASL):c.986_987del (p.Lys329fs)

Gene: ASL (argininosuccinate lyase; plus strand). Cytogenetic location: 7q11.21.
Variant type: Deletion.
Coding change: c.986_987del on transcript NM_000048.4 (MANE Select); coding-DNA positions 986 to 987, 2 bases deleted (AG; older notation c.986_987delAG).
Protein change: p.Lys329fs; shifts the reading frame from lysine 329.
Molecular consequence: frameshift variant.
Genome position (GRCh38, 1-based): chr7:66,089,619-66,089,620, AG deleted. VCF-style (leftmost placement, unchanged base first): chr7-66089618-AAG-A. GRCh37 (hg19) VCF-style: chr7-65554605-AAG-A.
Other names: c.986_987del, p.Lys329fs (NM_001024943.2); c.926_927del, p.Lys309fs (NM_001024944.2); c.908_909del, p.Lys303fs (NM_001024946.2); short protein forms K303fs, K309fs, K329fs.
Identifiers: ClinVar variation 5012964 (VCV005012964.1).